The following is an entry in ClinVar:

NM_001134831.2(AHI1):c.2212C>T (p.Arg738Ter)

Gene: AHI1 (Abelson helper integration site 1; minus strand). Cytogenetic location: 6q23.3.
Variant type: single nucleotide variant.
Coding change: c.2212C>T on transcript NM_001134831.2 (MANE Select); coding-DNA position 2212, C replaced by T.
Protein change: p.Arg738Ter; replaces arginine 738 with a stop codon.
Molecular consequence: nonsense.
Genome position (GRCh38, 1-based): chr6:135,433,081, G>A on the plus strand (C>T on the coding strand, the complement: AHI1 is on the minus strand). VCF-style: chr6-135433081-G-A. GRCh37 (hg19) VCF-style: chr6-135754219-G-A.
Other names: c.2212C>T, p.Arg738Ter (NM_001134830.2, NM_001134832.2, NM_001350503.2 and 2 more transcripts); short protein forms R738*.
Identifiers: ClinVar variation 217525 (VCV000217525.19), dbSNP rs372659908, ClinGen allele CA277726.

ClinVar aggregate classification (germline): Pathogenic/Likely pathogenic. Review status: criteria provided, multiple submitters, no conflicts (2 of 4 stars). 10 submissions from 10 submitters: Pathogenic (8); Likely pathogenic (1). 1 of the submissions does not count toward it. Last evaluated 2026-07-07.

Conditions:
Joubert syndrome 3 (JBTS3). Also called: AHI1-related Ciliopathy. Identifiers: Orphanet 220493, MedGen C1837713, MONDO:0012078, OMIM 608629.
AHI1-related disorder. Also called: AHI1-related condition.
Retinitis pigmentosa (RP). Identifiers: Orphanet 791, MedGen C0035334, MeSH D012174, MONDO:0019200, OMIM 268000. Inheritance: Autosomal dominant, autosomal recessive and X linked inheritance.
Joubert syndrome. Also called: JOUBERT-BOLTSHAUSER SYNDROME; Familial aplasia of the vermis. Identifiers: Orphanet 475, MedGen C5979921, MONDO:0018772.

Allele frequency attached by ClinVar (database versions not stated): gnomAD exomes 0.00005 and 0.00001; ESP Exome Variant Server 0.00008; ExAC 0.00002; TOPMed 0.00004; gnomAD 0.00003.
gnomAD v4.1: 82 of 1,613,448 alleles (0.0051%); highest among the groups gnomAD compares: Non-Finnish European, 0.0066%; no homozygotes.

Submissions (10):

Medgenome Labs Ltd
Classification: Likely pathogenic for Joubert syndrome 3. Last evaluated: 2026-07-07. Review status: criteria provided, single submitter. Criteria: ACMG Guidelines, 2015. Collection method: clinical testing. Allele origin: germline. Affected: yes.

Labcorp Genetics (formerly Invitae), Labcorp
Classification: Pathogenic for Joubert syndrome. Last evaluated: 2025-12-03. Review status: criteria provided, single submitter. Criteria: Invitae Variant Classification Sherloc (09022015). Collection method: clinical testing. Allele origin: germline.
Comment: This sequence change creates a premature translational stop signal (p.Arg738*) in the AHI1 gene. It is expected to result in an absent or disrupted protein product. Loss-of-function variants in AHI1 are known to be pathogenic (PMID: 15322546, 16453322, 28442542, 29186038). This variant is present in population databases (rs372659908, gnomAD 0.003%). This premature translational stop signal has been observed in individual(s) with Joubert syndrome or related conditions (PMID: 16453322, 21866095, 26092869). ClinVar contains an entry for this variant (Variation ID: 217525). Algorithms developed to predict the effect of sequence changes on RNA splicing suggest that this variant may disrupt the consensus splice site. For these reasons, this variant has been classified as Pathogenic.

Greenwood Genetic Center Diagnostic Laboratories, Greenwood Genetic Center
Classification: Pathogenic for Joubert syndrome 3. Last evaluated: 2025-05-01. Review status: criteria provided, single submitter. Criteria: ACMG Guidelines, 2015. Collection method: clinical testing. Allele origin: germline. Affected: yes.
Comment: PVS1, PM2, PM3

PreventionGenetics, part of Exact Sciences
Classification: Pathogenic for AHI1-related condition. Last evaluated: 2025-02-20. Review status: criteria provided, single submitter. Criteria: ACMG Guidelines, 2015. Collection method: clinical testing. Allele origin: germline.
Comment: The AHI1 c.2212C>T variant is predicted to result in premature protein termination (p.Arg738*). This variant has been reported in individuals with Joubert syndrome (see for example: Valente et al. 2006. PubMed ID: 16453322; Supplementary Table S9, Chaki et al. 2011. PubMed ID: 21866095; Porto et al. 2017. PubMed ID: 29186038). This variant is reported in 0.0028% of alleles in individuals of Latino descent in gnomAD. Nonsense variants in AHI1 are expected to be pathogenic. This variant is interpreted as pathogenic.

Fulgent Genetics
Classification: Pathogenic for Joubert syndrome 3. Last evaluated: 2024-05-06. Review status: criteria provided, single submitter. Criteria: ACMG Guidelines, 2015. Collection method: clinical testing. Allele origin: germline.

Myriad Genetics, Inc.
Classification: Pathogenic for Joubert syndrome 3. Last evaluated: 2024-04-26. Review status: criteria provided, single submitter. Criteria: Myriad Autosomal Dominant, Autosomal Recessive and X-Linked Classification Criteria (2023). Collection method: clinical testing. Allele origin: unknown.
Comment: NM_001134831.1(AHI1):c.2212C>T(R738*) is expected to be pathogenic in the context of Joubert syndrome, AHI1-related. This variant is predicted to lead to an abnormal or absent protein product due to the creation of a premature termination codon in AHI1, a gene where loss-of-function variants are known to be pathogenic. Please note: this variant was assessed in the context of healthy population screening.

GeneDx
Classification: Pathogenic. Last evaluated: 2022-08-31. Review status: criteria provided, single submitter. Criteria: GeneDx Variant Classification Process June 2021. Collection method: clinical testing. Allele origin: germline. Affected: yes.
Comment: Reported previously in the heterozygous state in multiple individuals with Joubert syndrome and related disorders (JSRD) who had a second AHI1 variant identified, including one patient with a pathogenic variant confirmed to be present on the opposite allele (in trans), in published literature (Parisi et al., 2006; Valente et al., 2006; Chaki et al., 2011; Bachmann-Gagescu et al., 2015); Observed in the heterozygous state with a second AHI1 variant in a patient with Leber congenital amaurosis or other early-onset severe retinal dystrophy in published literature (Porto et al., 2017); Nonsense variant predicted to result in protein truncation or nonsense mediated decay in a gene for which loss-of-function is a known mechanism of disease; Not observed at a significant frequency in large population cohorts (gnomAD); This variant is associated with the following publications: (PMID: 25525159, 29186038, 16453322, 16155189, 21866095, 26092869, 23532844, 31589614, 34426522, 32865313)

Blueprint Genetics
Classification: Pathogenic for AHI1-related disorders. Last evaluated: 2021-11-28. Review status: criteria provided, single submitter. Criteria: ACMG Guidelines, 2015. Collection method: clinical testing. Allele origin: germline. Affected: yes. Observed: 5 variant alleles.

UW Hindbrain Malformation Research Program, University of Washington
Classification: Pathogenic for Joubert syndrome 3. Last evaluated: 2015-02-23. Review status: criteria provided, single submitter. Criteria: Bachmann-Gagescu et al. (J Med Genet. 2015). Collection method: research. Allele origin: unknown. Affected: yes.

Sharon lab, Hadassah-Hebrew University Medical Center
Classification: Pathogenic for Retinitis pigmentosa. Last evaluated: 2019-06-23. Review status: no assertion criteria provided. Collection method: research. Allele origin: inherited. Affected: yes. Not counted in ClinVar's aggregate classification.

Literature cited by the submitters: PubMed 15322546 (cited by Labcorp Genetics (formerly Invitae), Labcorp); PubMed 16453322 (cited by Labcorp Genetics (formerly Invitae), Labcorp); PubMed 28442542 (cited by Labcorp Genetics (formerly Invitae), Labcorp); PubMed 29186038 (cited by Labcorp Genetics (formerly Invitae), Labcorp); PubMed 21866095 (cited by Labcorp Genetics (formerly Invitae), Labcorp); PubMed 26092869 (cited by Labcorp Genetics (formerly Invitae), Labcorp).